The following is an entry in ClinVar:

ClinVar aggregate classification (germline): Uncertain significance. Review status: criteria provided, multiple submitters, no conflicts (2 of 4 stars). 3 submissions from 3 submitters: Uncertain significance (3). Last evaluated 2024-08-14.

Conditions:
Hereditary cancer-predisposing syndrome. Also called: Neoplastic Syndromes, Hereditary; Tumor predisposition; Hereditary neoplastic syndrome; Hereditary Cancer Syndrome. Identifiers: Orphanet 140162, MedGen C0027672, MeSH D009386, MONDO:0015356.
Hereditary diffuse gastric adenocarcinoma (HDGC). Also called: DIFFUSE GASTRIC AND LOBULAR BREAST CANCER SYNDROME. Identifiers: Orphanet 26106, MedGen C1708349, MONDO:0007648, OMIM 137215.

Submissions (3):

Quest Diagnostics Nichols Institute San Juan Capistrano
Classification: Uncertain significance. Last evaluated: 2024-08-14. Review status: criteria provided, single submitter. Criteria: Quest Diagnostics criteria. Collection method: clinical testing. Allele origin: unknown.
Comment: The CDH1 c.687+2dup variant has been reported in the published literature in an individual with breast cancer in a large scale breast cancer association study (PMID: 33471991 (2021), see also LOVD). This variant has not been reported in large, multi-ethnic general populations (Genome Aggregation Database). Analysis of this variant using software algorithms for the prediction of the effect of nucleotide changes on splicing yielded predictions that this variant may affect proper CDH1 mRNA splicing. Based on the available information, we are unable to determine the clinical significance of this variant.

Ambry Genetics
Classification: Uncertain significance for Hereditary cancer-predisposing syndrome. Last evaluated: 2022-10-27. Review status: criteria provided, single submitter. Criteria: Ambry Variant Classification Scheme 2023. Collection method: clinical testing. Allele origin: germline.
Comment: The c.687+2dupT intronic variant, results from a duplication of two nucleotides at nucleotide position 687 after intron 5 of the CDH1 gene. This nucleotide position is highly conserved in available vertebrate species. In silico splice site analysis predicts that this alteration may result in the creation or strengthening of a novel splice donor site; however direct evidence is insufficient at this time (Ambry internal data). Since supporting evidence is limited at this time, the clinical significance of this alteration remains unclear.

Labcorp Genetics (formerly Invitae), Labcorp
Classification: Uncertain significance for Hereditary diffuse gastric adenocarcinoma. Last evaluated: 2022-01-17. Review status: criteria provided, single submitter. Criteria: Invitae Variant Classification Sherloc (09022015). Collection method: clinical testing. Allele origin: germline.
Comment: This sequence change falls in intron 5 of the CDH1 gene. It does not directly change the encoded amino acid sequence of the CDH1 protein. It affects a nucleotide within the consensus splice site. This variant is not present in population databases (gnomAD no frequency). This variant has not been reported in the literature in individuals affected with CDH1-related conditions. Variants that disrupt the consensus splice site are a relatively common cause of aberrant splicing (PMID: 17576681, 9536098). Algorithms developed to predict the effect of sequence changes on RNA splicing suggest that this variant may disrupt the consensus splice site. In summary, the available evidence is currently insufficient to determine the role of this variant in disease. Therefore, it has been classified as a Variant of Uncertain Significance.

Literature cited by the submitters: PubMed 33471991 (cited by Quest Diagnostics Nichols Institute San Juan Capistrano); PubMed 17576681 (cited by Labcorp Genetics (formerly Invitae), Labcorp); PubMed 9536098 (cited by Labcorp Genetics (formerly Invitae), Labcorp).

NM_004360.5(CDH1):c.687+2dup

Gene: CDH1 (cadherin 1; plus strand). Cytogenetic location: 16q22.1.
Variant type: Duplication.
Coding change: c.687+2dup on transcript NM_004360.5 (MANE Select); the canonical splice donor site of the intron after coding-DNA position 687, one base duplicated (T; older notation c.687+2dupT).
Molecular consequence: splice donor variant.
Genome position (GRCh38, 1-based): chr16:68,808,850, T duplicated. VCF-style (leftmost placement, unchanged base first): chr16-68808849-G-GT. GRCh37 (hg19) VCF-style: chr16-68842752-G-GT.
Other names: c.687+2dup (NM_004360.4, NM_001317184.2); c.-929+2dup (NM_001317185.2); c.-1133+2dup (NM_001317186.2).
Identifiers: ClinVar variation 1755889 (VCV001755889.8), dbSNP rs2543916502, ClinGen allele CA2580091946.